The following is an entry in ClinVar:

NM_002437.5(MPV17):c.473del (p.Val158fs)

Gene: MPV17 (mitochondrial inner membrane protein MPV17; minus strand). Cytogenetic location: 2p23.3.
Variant type: Deletion.
Coding change: c.473del on transcript NM_002437.5 (MANE Select); coding-DNA position 473, one base deleted (T; older notation c.473delT).
Protein change: p.Val158fs; shifts the reading frame from valine 158.
Molecular consequence: frameshift variant.
Genome position (GRCh38, 1-based): chr2:27,309,970, A deleted on the plus strand (T on the coding strand, the reverse complement: MPV17 is on the minus strand). VCF-style (leftmost placement, unchanged base first): chr2-27309969-GA-G. GRCh37 (hg19) VCF-style: chr2-27532837-GA-G.
Other names: short protein forms V158fs.
Identifiers: ClinVar variation 4815049 (VCV004815049.1).

ClinVar aggregate classification (germline): Likely pathogenic (1 of 4 stars; one submission).

Conditions:
Mitochondrial DNA depletion syndrome, hepatocerebral form. Identifiers: Orphanet 254871, MedGen C3711385, MONDO:0100512.

Submission:

Natera, Inc.
Classification: Likely pathogenic for Mitochondrial DNA depletion syndrome, hepatocerebral form. Last evaluated: 2024-05-20. Review status: criteria provided, single submitter. Criteria: Natera Variant Classification Schema (03/2026). Collection method: clinical testing. Allele origin: germline.
Comment: The c.473del variant in MPV17 is a frameshift variant predicted to elongate the protein beyond the termination codon. This variant is expected to result in nonsense mediated decay, truncation, or a dysfunctional protein product. This variant is rare in the general population with a frequency below the threshold expected for the associated phenotype(s). Given the available evidence, this variant is classified as Likely Pathogenic.